The following is an entry in ClinVar:

NM_000256.3(MYBPC3):c.165C>G (p.Tyr55Ter)

Gene: MYBPC3 (myosin binding protein C3; minus strand). Cytogenetic location: 11p11.2.
Variant type: single nucleotide variant.
Coding change: c.165C>G on transcript NM_000256.3 (MANE Select); coding-DNA position 165, C replaced by G.
Protein change: p.Tyr55Ter; replaces tyrosine 55 with a stop codon.
Molecular consequence: nonsense.
Genome position (GRCh38, 1-based): chr11:47,351,366, G>C on the plus strand (C>G on the coding strand, the complement: MYBPC3 is on the minus strand). VCF-style: chr11-47351366-G-C. GRCh37 (hg19) VCF-style: chr11-47372917-G-C.
Other names: short protein forms Y55*.
Identifiers: ClinVar variation 2861984 (VCV002861984.4), dbSNP rs780012957, ClinGen allele CA380341793.

ClinVar aggregate classification (germline): Pathogenic. Review status: criteria provided, single submitter (1 of 4 stars). 2 submissions from 2 submitters: Pathogenic (1). 1 of the submissions does not count toward it. Last evaluated 2023-06-27.

Conditions:
hypertrophic cardiomyopathie.
Hypertrophic cardiomyopathy. Also called: HYPERTROPHIC MYOCARDIOPATHY. Identifiers: Orphanet 217569, MedGen C0007194, MeSH D002312, MONDO:0005045, HP:0001639.

Submissions (2):

Labcorp Genetics (formerly Invitae), Labcorp
Classification: Pathogenic for Hypertrophic cardiomyopathy. Last evaluated: 2023-06-27. Review status: criteria provided, single submitter. Criteria: Invitae Variant Classification Sherloc (09022015). Collection method: clinical testing. Allele origin: germline.
Comment: This variant is not present in population databases (gnomAD no frequency). For these reasons, this variant has been classified as Pathogenic. This variant has not been reported in the literature in individuals affected with MYBPC3-related conditions. This sequence change creates a premature translational stop signal (p.Tyr55*) in the MYBPC3 gene. It is expected to result in an absent or disrupted protein product. Loss-of-function variants in MYBPC3 are known to be pathogenic (PMID: 19574547).

Molecular Genetics, Labor Dr. Heidrich & Kollegen MVZ GmbH
Classification: Pathogenic for hypertrophic cardiomyopathie. Last evaluated: 2025-10-15. Review status: no assertion criteria provided. Collection method: clinical testing. Allele origin: germline. Affected: yes. Not counted in ClinVar's aggregate classification.

Literature cited by the submitters: PubMed 19574547 (cited by Labcorp Genetics (formerly Invitae), Labcorp).